The following is an entry in ClinVar:

ClinVar aggregate classification (germline): Likely pathogenic (1 of 4 stars; one submission).

Conditions:
Familial infantile myasthenia (CMS6). Also called: Congenital myasthenic syndrome type 6; MYASTHENIC SYNDROME, PRESYNAPTIC, CONGENITAL, ASSOCIATED WITH EPISODIC APNEA; MYASTHENIC SYNDROME, CONGENITAL, 6, PRESYNAPTIC. Identifiers: Orphanet 590, MedGen C0393929, MONDO:0009689, OMIM 254210.

Submission:

Labcorp Genetics (formerly Invitae), Labcorp
Classification: Likely pathogenic for Familial infantile myasthenia. Last evaluated: 2020-12-10. Review status: criteria provided, single submitter. Criteria: Invitae Variant Classification Sherloc (09022015). Collection method: clinical testing. Allele origin: germline.
Comment: In summary, the currently available evidence indicates that the variant is pathogenic, but additional data are needed to prove that conclusively. Therefore, this variant has been classified as Likely Pathogenic. This variant disrupts the p.Thr354 amino acid residue in CHAT. Other variant(s) that disrupt this residue have been determined to be pathogenic (PMID:15701560, 29189923). This suggests that this residue is clinically significant, and that variants that disrupt this residue are likely to be disease-causing. Advanced modeling of protein sequence and biophysical properties (such as structural, functional, and spatial information, amino acid conservation, physicochemical variation, residue mobility, and thermodynamic stability) performed at Invitae indicates that this missense variant is expected to disrupt CHAT protein function. This variant has not been reported in the literature in individuals with CHAT-related conditions. This variant is not present in population databases (ExAC no frequency). This sequence change replaces threonine with serine at codon 354 of the CHAT protein (p.Thr354Ser). The threonine residue is highly conserved and there is a small physicochemical difference between threonine and serine.

Literature cited by the submitters: PubMed 15701560; PubMed 29189923.

NM_020549.5(CHAT):c.1060A>T (p.Thr354Ser)

Gene: CHAT (choline O-acetyltransferase; plus strand). Cytogenetic location: 10q11.23.
Variant type: single nucleotide variant.
Coding change: c.1060A>T on transcript NM_020549.5 (MANE Select); coding-DNA position 1060, A replaced by T.
Protein change: p.Thr354Ser; replaces threonine 354 with serine.
Molecular consequence: missense variant.
Genome position (GRCh38, 1-based): chr10:49,627,734, A>T. VCF-style: chr10-49627734-A-T. GRCh37 (hg19) VCF-style: chr10-50835780-A-T.
Other names: c.814A>T, p.Thr272Ser (NM_001142933.2); c.706A>T, p.Thr236Ser (NM_001142934.2, NM_020984.4, NM_020985.4 and 2 more transcripts); short protein forms T354S, T236S, T272S.
Identifiers: ClinVar variation 1507294 (VCV001507294.8), dbSNP rs2132735749, ClinGen allele CA376731389.